The following is an entry in ClinVar:

NM_001142864.4(PIEZO1):c.4200_4234+71dup

Gene: PIEZO1 (piezo type mechanosensitive ion channel component 1 (Er blood group); minus strand). Cytogenetic location: 16q24.3.
Variant type: Duplication.
Coding change: c.4200_4234+71dup on transcript NM_001142864.4 (MANE Select); coding-DNA position 4200 through 71 bases into the intron after coding-DNA position 4234, 106 bases duplicated.
Molecular consequence: splice donor variant.
Genome position (GRCh38, 1-based): chr16:88,724,938-88,725,043, 106 bases duplicated. GRCh37 (hg19): chr16:88,791,346-88,791,451.
Identifiers: ClinVar variation 4713886 (VCV004713886.1).

ClinVar aggregate classification (germline): Uncertain significance (1 of 4 stars; one submission).

Submission:

Labcorp Genetics (formerly Invitae), Labcorp
Classification: Uncertain significance. Last evaluated: 2025-02-26. Review status: criteria provided, single submitter. Criteria: Invitae Variant Classification Sherloc (09022015). Collection method: clinical testing. Allele origin: germline.
Comment: This sequence change falls in intron 30 of the PIEZO1 gene. It does not directly change the encoded amino acid sequence of the PIEZO1 protein. This variant is not present in population databases (gnomAD no frequency). This variant has not been reported in the literature in individuals affected with PIEZO1-related conditions. Experimental studies and prediction algorithms are not available or were not evaluated, and the effect of this variant on mRNA splicing is currently unknown. In summary, the available evidence is currently insufficient to determine the role of this variant in disease. Therefore, it has been classified as a Variant of Uncertain Significance.